The following is an entry in ClinVar:

ClinVar aggregate classification (germline): Likely benign (0 of 4 stars; one submission).

Conditions:
NUP88-related disorder. Also called: NUP88-related condition.

Submission:

PreventionGenetics, part of Exact Sciences
Classification: Likely benign for NUP88-related condition. Last evaluated: 2019-10-28. Review status: no assertion criteria provided. Collection method: clinical testing. Allele origin: germline.
Comment: This variant is classified as likely benign based on ACMG/AMP sequence variant interpretation guidelines (Richards et al. 2015 PMID: 25741868, with internal and published modifications).

NM_002532.6(NUP88):c.1382+8C>G

Gene: NUP88 (nucleoporin 88; minus strand). Cytogenetic location: 17p13.2.
Variant type: single nucleotide variant.
Coding change: c.1382+8C>G on transcript NM_002532.6 (MANE Select); 8 bases into the intron after coding-DNA position 1382, C replaced by G.
Molecular consequence: intron variant.
Genome position (GRCh38, 1-based): chr17:5,394,883, G>C on the plus strand (C>G on the coding strand, the complement: NUP88 is on the minus strand). VCF-style: chr17-5394883-G-C. GRCh37 (hg19) VCF-style: chr17-5298203-G-C.
Other names: c.1382+8C>G (NM_001320653.2).
Identifiers: ClinVar variation 3046057 (VCV003046057.2), dbSNP rs2507635712, ClinGen allele CA2576140067.